The following is an entry in ClinVar:

NM_014000.3(VCL):c.2825C>A (p.Pro942His)

Gene: VCL (vinculin; plus strand). Cytogenetic location: 10q22.2.
Variant type: single nucleotide variant.
Coding change: c.2825C>A on transcript NM_014000.3 (MANE Select); coding-DNA position 2825, C replaced by A.
Protein change: p.Pro942His; replaces proline 942 with histidine.
Molecular consequence: missense variant. On other transcripts: intron variant (1).
Genome position (GRCh38, 1-based): chr10:74,111,988, C>A. VCF-style: chr10-74111988-C-A. GRCh37 (hg19) VCF-style: chr10-75871746-C-A.
Other names: c.2746-2196C>A (NM_003373.4); short protein forms P942H.
Identifiers: ClinVar variation 1796496 (VCV001796496.6), dbSNP rs375627694, ClinGen allele CA5563316.

ClinVar aggregate classification (germline): Uncertain significance. Review status: criteria provided, multiple submitters, no conflicts (2 of 4 stars). 2 submissions from 2 submitters: Uncertain significance (2). Last evaluated 2026-01-09.

Conditions:
Cardiovascular phenotype. Identifiers: MedGen CN230736.
Dilated cardiomyopathy 1W (CMD1W). Identifiers: Orphanet 154, MedGen C1969639, MONDO:0012667, OMIM 611407.

Allele frequency attached by ClinVar (database versions not stated): gnomAD exomes below 0.00001; ExAC 0.00001; ESP Exome Variant Server 0.00008.
gnomAD v4.1: 5 of 1,614,210 alleles (0.00031%); highest among the groups gnomAD compares: African/African-American, 0.0067%; no homozygotes.

Submissions (2):

Ambry Genetics
Classification: Uncertain significance for Cardiovascular phenotype. Last evaluated: 2026-01-09. Review status: criteria provided, single submitter. Criteria: Ambry Variant Classification Scheme 2023. Collection method: clinical testing. Allele origin: germline.
Comment: The p.P942H variant (also known as c.2825C>A), located in coding exon 19 of the VCL gene, results from a C to A substitution at nucleotide position 2825. The proline at codon 942 is replaced by histidine, an amino acid with similar properties. This amino acid position is highly conserved in available vertebrate species. In addition, this alteration is predicted to be tolerated by in silico analysis. Based on the available evidence, the clinical significance of this variant remains unclear.

Labcorp Genetics (formerly Invitae), Labcorp
Classification: Uncertain significance for Dilated cardiomyopathy 1W. Last evaluated: 2024-01-13. Review status: criteria provided, single submitter. Criteria: Invitae Variant Classification Sherloc (09022015). Collection method: clinical testing. Allele origin: germline.
Comment: This sequence change replaces proline, which is neutral and non-polar, with histidine, which is basic and polar, at codon 942 of the VCL protein (p.Pro942His). This variant is not present in population databases (gnomAD no frequency). This variant has not been reported in the literature in individuals affected with VCL-related conditions. ClinVar contains an entry for this variant (Variation ID: 1796496). An algorithm developed to predict the effect of missense changes on protein structure and function (PolyPhen-2) suggests that this variant is likely to be tolerated. In summary, the available evidence is currently insufficient to determine the role of this variant in disease. Therefore, it has been classified as a Variant of Uncertain Significance.